The following is an entry in ClinVar:

ClinVar aggregate classification (germline): Uncertain significance (1 of 4 stars; one submission).

Conditions:
Congenital primary aphakia. Also called: Anterior segment dysgenesis 2, multiple subtypes; ANTERIOR SEGMENT DYSGENESIS 2. Identifiers: Orphanet 83461, MedGen C1853230, MONDO:0012456, OMIM 610256.
Anterior segment dysgenesis. Also called: Ocular anterior segment dysgenesis. Identifiers: Orphanet 88632, MedGen C1862839, MONDO:0019503, HP:0007700.

Submission:

Labcorp Genetics (formerly Invitae), Labcorp
Classification: Uncertain significance for Anterior segment dysgenesis; Congenital primary aphakia. Last evaluated: 2022-09-01. Review status: criteria provided, single submitter. Criteria: Invitae Variant Classification Sherloc (09022015). Collection method: clinical testing. Allele origin: germline.
Comment: In summary, the available evidence is currently insufficient to determine the role of this variant in disease. Therefore, it has been classified as a Variant of Uncertain Significance. Algorithms developed to predict the effect of missense changes on protein structure and function are either unavailable or do not agree on the potential impact of this missense change (SIFT: "Tolerated"; PolyPhen-2: "Possibly Damaging"; Align-GVGD: "Class C0"). This variant has not been reported in the literature in individuals affected with FOXE3-related conditions. This variant is not present in population databases (gnomAD no frequency). This sequence change replaces glycine, which is neutral and non-polar, with serine, which is neutral and polar, at codon 89 of the FOXE3 protein (p.Gly89Ser).

NM_012186.3(FOXE3):c.265G>A (p.Gly89Ser)

Genes: FOXE3 (forkhead box E3; plus strand), LINC01389 (long independently transcribed non-coding RNA 1389; minus strand). Cytogenetic location: 1p33.
Variant type: single nucleotide variant.
Coding change: c.265G>A on transcript NM_012186.3 (MANE Select); coding-DNA position 265, G replaced by A.
Protein change: p.Gly89Ser; replaces glycine 89 with serine.
Molecular consequence: missense variant.
Genome position (GRCh38, 1-based): chr1:47,416,580, G>A. VCF-style: chr1-47416580-G-A. GRCh37 (hg19) VCF-style: chr1-47882252-G-A.
Other names: short protein forms G89S.
Identifiers: ClinVar variation 1952326 (VCV001952326.5), dbSNP rs2521316838, ClinGen allele CA340249362.